The following is an entry in ClinVar:

ClinVar aggregate classification (germline): Likely benign. Review status: criteria provided, multiple submitters, no conflicts (2 of 4 stars). 2 submissions from 2 submitters: Likely benign (2). Last evaluated 2025-06-01.

Allele frequency attached by ClinVar (database versions not stated): gnomAD exomes 0.00001; gnomAD 0.00002; TOPMed 0.00002.
gnomAD v4.1: 15 of 1,432,476 alleles (0.001%); highest among the groups gnomAD compares: Non-Finnish European, 0.0014%; no homozygotes.

Submissions (2):

CeGaT Center for Human Genetics Tuebingen
Classification: Likely benign. Last evaluated: 2025-06-01. Review status: criteria provided, single submitter. Criteria: CeGaT Center For Human Genetics Tuebingen Variant Classification Criteria Version 2. Collection method: clinical testing. Allele origin: germline. Affected: yes. Observed: 1 variant allele.
Comment: TPRN: BP4, BP7

Labcorp Genetics (formerly Invitae), Labcorp
Classification: Likely benign. Last evaluated: 2024-12-16. Review status: criteria provided, single submitter. Criteria: Invitae Variant Classification Sherloc (09022015). Collection method: clinical testing. Allele origin: germline.

NM_001128228.3(TPRN):c.651C>T (p.Gly217=)

Gene: TPRN (taperin; minus strand). Cytogenetic location: 9q34.3.
Variant type: single nucleotide variant.
Coding change: c.651C>T on transcript NM_001128228.3 (MANE Select); coding-DNA position 651, C replaced by T.
Protein change: p.Gly217=; no amino-acid change (glycine 217 retained).
Molecular consequence: synonymous variant.
Genome position (GRCh38, 1-based): chr9:137,200,061, G>A on the plus strand (C>T on the coding strand, the complement: TPRN is on the minus strand). VCF-style: chr9-137200061-G-A. GRCh37 (hg19) VCF-style: chr9-140094513-G-A.
Identifiers: ClinVar variation 1489335 (VCV001489335.16), dbSNP rs1390197967, ClinGen allele CA467926154.